The following is an entry in ClinVar:

ClinVar aggregate classification (germline): Conflicting classifications of pathogenicity. Review status: criteria provided, conflicting classifications (1 of 4 stars). 3 submissions from 3 submitters: Uncertain significance (2); Likely benign (1). Last evaluated 2024-09-01.

Conditions:
Hydatidiform mole, recurrent, 1 (HYDM1). Identifiers: Orphanet 254688, Orphanet 99927, MedGen C3463897, MONDO:0009273, OMIM 231090. Disease mechanism: loss of function.

Allele frequency attached by ClinVar (database versions not stated): gnomAD 0.00007; TOPMed 0.00008; ExAC 0.00010; gnomAD exomes 0.00010 and 0.00011.
gnomAD v4.1: 166 of 1,613,948 alleles (0.01%); highest among the groups gnomAD compares: Middle Eastern, 0.17%; 1 homozygote.

Submissions (3):

CeGaT Center for Human Genetics Tuebingen
Classification: Likely benign. Last evaluated: 2024-09-01. Review status: criteria provided, single submitter. Criteria: CeGaT Center For Human Genetics Tuebingen Variant Classification Criteria Version 2. Collection method: clinical testing. Allele origin: germline. Affected: yes. Observed: 3 variant alleles.
Comment: NLRP7: BP4, BP7

Illumina Laboratory Services, Illumina
Classification: Uncertain significance for Hydatidiform mole, recurrent, 1. Last evaluated: 2018-01-12. Review status: criteria provided, single submitter. Criteria: ICSL Variant Classification Criteria 13 December 2019. Collection method: clinical testing. Allele origin: germline.

Breakthrough Genomics
Classification: Uncertain significance. Review status: criteria provided, single submitter. Criteria: ACMG Guidelines, 2015. Collection method: not provided. Allele origin: germline. Inheritance: Autosomal dominant inheritance. Affected: yes.

NM_001127255.2(NLRP7):c.1569C>T (p.Phe523=)

Gene: NLRP7 (NLR family pyrin domain containing 7; minus strand). Cytogenetic location: 19q13.42.
Variant type: single nucleotide variant.
Coding change: c.1569C>T on transcript NM_001127255.2 (MANE Select); coding-DNA position 1569, C replaced by T.
Protein change: p.Phe523=; no amino-acid change (phenylalanine 523 retained).
Molecular consequence: synonymous variant.
Genome position (GRCh38, 1-based): chr19:54,939,250, G>A on the plus strand (C>T on the coding strand, the complement: NLRP7 is on the minus strand). VCF-style: chr19-54939250-G-A. GRCh37 (hg19) VCF-style: chr19-55450618-G-A.
Other names: c.1569C>T, p.Phe523= (NM_001405531.1, NM_139176.4, NM_206828.4).
Identifiers: ClinVar variation 893608 (VCV000893608.31), dbSNP rs200362946, ClinGen allele CA310017631.
Genomic context (GRCh38, chr19:54,939,250, plus strand): 5'-TGACATCCGGCAGCCAAAAGTGGCCTCCAACTCCTTGGCTCTCTTCTCGTTAGCGAGGCC[G>A]AATAAGAAGTGTCCTACTTGAATCAGGTCGGGGTTCTTGAGTCTTTCTTCTCCGGAAAGC-3'
Protein context (NP_001120727.1, residues 513-533): PDLIQVGHFL[Phe523=]GLANEKRAKE